The following is an entry in ClinVar:

ClinVar aggregate classification (germline): Uncertain significance. Review status: criteria provided, multiple submitters, no conflicts (2 of 4 stars). 2 submissions from 2 submitters: Uncertain significance (2). Last evaluated 2019-11-08.

Conditions:
Chédiak-Higashi syndrome (CHS). Also called: Chediak-Higashi Syndrome. Identifiers: Orphanet 167, MedGen C0007965, MONDO:0008963, OMIM 214500.

Allele frequency attached by ClinVar (database versions not stated): gnomAD exomes below 0.00001.
gnomAD v4.1: 1 of 1,589,864 alleles (0.000063%); highest among the groups gnomAD compares: Non-Finnish European, 0.000086%; no homozygotes.

Submissions (2):

Labcorp Genetics (formerly Invitae), Labcorp
Classification: Uncertain significance for Chédiak-Higashi syndrome. Last evaluated: 2019-11-08. Review status: criteria provided, single submitter. Criteria: Invitae Variant Classification Sherloc (09022015). Collection method: clinical testing. Allele origin: germline.
Comment: In summary, the available evidence is currently insufficient to determine the role of this variant in disease. Therefore, it has been classified as a Variant of Uncertain Significance. Algorithms developed to predict the effect of missense changes on protein structure and function are either unavailable or do not agree on the potential impact of this missense change (SIFT: "Tolerated"; PolyPhen-2: "Probably Damaging"; Align-GVGD: "Class C0"). This variant has not been reported in the literature in individuals with LYST-related disease. ClinVar contains an entry for this variant (Variation ID: 296380). This sequence change replaces threonine with isoleucine at codon 2477 of the LYST protein (p.Thr2477Ile). The threonine residue is moderately conserved and there is a moderate physicochemical difference between threonine and isoleucine. This variant is not present in population databases (ExAC no frequency).

Illumina Laboratory Services, Illumina
Classification: Uncertain significance for Chédiak-Higashi syndrome. Last evaluated: 2018-01-13. Review status: criteria provided, single submitter. Criteria: ICSL Variant Classification Criteria 13 December 2019. Collection method: clinical testing. Allele origin: germline.

NM_000081.4(LYST):c.7430C>T (p.Thr2477Ile)

Gene: LYST (lysosomal trafficking regulator; minus strand). Cytogenetic location: 1q42.3.
Variant type: single nucleotide variant.
Coding change: c.7430C>T on transcript NM_000081.4 (MANE Select); coding-DNA position 7430, C replaced by T.
Protein change: p.Thr2477Ile; replaces threonine 2477 with isoleucine.
Molecular consequence: missense variant.
Genome position (GRCh38, 1-based): chr1:235,753,074, G>A on the plus strand (C>T on the coding strand, the complement: LYST is on the minus strand). VCF-style: chr1-235753074-G-A. GRCh37 (hg19) VCF-style: chr1-235916374-G-A.
Other names: c.7430C>T, p.Thr2477Ile (NM_001301365.1); short protein forms T2477I.
Identifiers: ClinVar variation 296380 (VCV000296380.12), dbSNP rs886046175, ClinGen allele CA10609539.
Genomic context (GRCh38, chr1:235,753,074, plus strand): 5'-TGTAATTTTAAATAATAATTTTAAACTTACTTCTTTTCTAATCCATTCAGGGCTGCTACT[G>A]TATTACATAACACATAGAGTAGACCATTATCCAGCAACATATCTGCTACCTTAGAACAAG-3'
Protein context (NP_000072.2, residues 2467-2487): DNGLLYVLCN[Thr2477Ile]VAALNGLEKN